The following is an entry in ClinVar:

NM_024426.6(WT1):c.578C>G (p.Ala193Gly)

Genes: WT1 (WT1 transcription factor; minus strand), LOC107982234 (WT1/WT1-AS bi-directional promoter region; plus strand). Cytogenetic location: 11p13.
Variant type: single nucleotide variant.
Coding change: c.578C>G on transcript NM_024426.6 (MANE Select); coding-DNA position 578, C replaced by G.
Protein change: p.Ala193Gly; replaces alanine 193 with glycine.
Molecular consequence: missense variant. On other transcripts: non-coding transcript variant (1).
Genome position (GRCh38, 1-based): chr11:32,434,783, G>C on the plus strand (C>G on the coding strand, the complement: WT1 is on the minus strand). VCF-style: chr11-32434783-G-C. GRCh37 (hg19) VCF-style: chr11-32456329-G-C.
Other names: c.578C>G, p.Ala193Gly (NM_000378.6, NM_024424.5); short protein forms A193G.
Identifiers: ClinVar variation 960406 (VCV000960406.11), dbSNP rs572926487, ClinGen allele CA379964603.

ClinVar aggregate classification (germline): Uncertain significance. Review status: criteria provided, multiple submitters, no conflicts (2 of 4 stars). 2 submissions from 2 submitters: Uncertain significance (2). Last evaluated 2026-03-10.

Conditions:
Drash syndrome (DDS). Also called: NEPHROPATHY, WILMS TUMOR, AND GENITAL ANOMALIES; WILMS TUMOR AND PSEUDO- OR TRUE HERMAPHRODITISM. Identifiers: Orphanet 220, MedGen C0950121, MONDO:0008682, OMIM 194080.
Frasier syndrome. Identifiers: Orphanet 347, MedGen C0950122, MeSH D052159, MONDO:0007635, OMIM 136680.
Wilms tumor 1 (WT1). Also called: Wilms tumor, somatic. Identifiers: Orphanet 654, MedGen CN033288, MONDO:0008679, OMIM 194070.
11p partial monosomy syndrome (WAGR). Also called: CHROMOSOME 11p13 DELETION SYNDROME; WAGR Spectrum Disorder; WAGR syndrome; WAGR Complex. Identifiers: Orphanet 893, MedGen C0206115, MONDO:0008681, OMIM 194072.
Inborn genetic diseases. Identifiers: MedGen C0950123, MeSH D030342.

Submissions (2):

Ambry Genetics
Classification: Uncertain significance for Inborn genetic diseases. Last evaluated: 2026-03-10. Review status: criteria provided, single submitter. Criteria: Ambry Variant Classification Scheme 2023. Collection method: clinical testing. Allele origin: germline.
Comment: The p.A188G variant (also known as c.563C>G), located in coding exon 1 of the WT1 gene, results from a C to G substitution at nucleotide position 563. The alanine at codon 188 is replaced by glycine, an amino acid with similar properties. This amino acid position is conserved. In addition, this alteration is predicted to be tolerated by in silico analysis. Based on the available evidence, the clinical significance of this variant remains unclear.

Labcorp Genetics (formerly Invitae), Labcorp
Classification: Uncertain significance for Wilms tumor 1; Drash syndrome; 11p partial monosomy syndrome; Frasier syndrome. Last evaluated: 2022-06-02. Review status: criteria provided, single submitter. Criteria: Invitae Variant Classification Sherloc (09022015). Collection method: clinical testing. Allele origin: germline.
Comment: This sequence change replaces alanine, which is neutral and non-polar, with glycine, which is neutral and non-polar, at codon 188 of the WT1 protein (p.Ala188Gly). This variant is not present in population databases (gnomAD no frequency). This variant has not been reported in the literature in individuals affected with WT1-related conditions. ClinVar contains an entry for this variant (Variation ID: 960406). Algorithms developed to predict the effect of missense changes on protein structure and function are either unavailable or do not agree on the potential impact of this missense change (SIFT: "Tolerated"; PolyPhen-2: "Possibly Damaging"; Align-GVGD: "Class C0"). In summary, the available evidence is currently insufficient to determine the role of this variant in disease. Therefore, it has been classified as a Variant of Uncertain Significance.